The following is an entry in ClinVar:

NM_001853.4(COL9A3):c.688C>T (p.Pro230Ser)

Gene: COL9A3 (collagen type IX alpha 3 chain; plus strand). Cytogenetic location: 20q13.33.
Variant type: single nucleotide variant.
Coding change: c.688C>T on transcript NM_001853.4 (MANE Select); coding-DNA position 688, C replaced by T.
Protein change: p.Pro230Ser; replaces proline 230 with serine.
Molecular consequence: missense variant.
Genome position (GRCh38, 1-based): chr20:62,826,207, C>T. VCF-style: chr20-62826207-C-T. GRCh37 (hg19) VCF-style: chr20-61457559-C-T.
Other names: short protein forms P230S.
Identifiers: ClinVar variation 1716230 (VCV001716230.5), dbSNP rs1455585735, ClinGen allele CA409591845.

ClinVar aggregate classification (germline): Uncertain significance (1 of 4 stars; one submission).

Allele frequency attached by ClinVar (database versions not stated): TOPMed below 0.00001.

Submission:

Labcorp Genetics (formerly Invitae), Labcorp
Classification: Uncertain significance. Last evaluated: 2025-10-21. Review status: criteria provided, single submitter. Criteria: Invitae Variant Classification Sherloc (09022015). Collection method: clinical testing. Allele origin: germline.
Comment: This sequence change replaces proline, which is neutral and non-polar, with serine, which is neutral and polar, at codon 230 of the COL9A3 protein (p.Pro230Ser). This variant is not present in population databases (gnomAD no frequency). This variant has not been reported in the literature in individuals affected with COL9A3-related conditions. ClinVar contains an entry for this variant (Variation ID: 1716230). Invitae Evidence Modeling of protein sequence and biophysical properties (such as structural, functional, and spatial information, amino acid conservation, physicochemical variation, residue mobility, and thermodynamic stability) indicates that this missense variant is not expected to disrupt COL9A3 protein function with a negative predictive value of 95%. In summary, the available evidence is currently insufficient to determine the role of this variant in disease. Therefore, it has been classified as a Variant of Uncertain Significance.